The following is an entry in ClinVar:

NM_001164508.2(NEB):c.3096del (p.Asp1033fs)

Gene: NEB (nebulin; minus strand). Cytogenetic location: 2q23.3.
Variant type: Deletion.
Coding change: c.3096del on transcript NM_001164508.2 (MANE Select); coding-DNA position 3096, one base deleted (A; older notation c.3096delA).
Protein change: p.Asp1033fs; shifts the reading frame from aspartic acid 1033.
Molecular consequence: frameshift variant.
Genome position (GRCh38, 1-based): chr2:151,679,969, T deleted on the plus strand (A on the coding strand, the reverse complement: NEB is on the minus strand). VCF-style (leftmost placement, unchanged base first): chr2-151679968-CT-C. GRCh37 (hg19) VCF-style: chr2-152536482-CT-C.
Other names: c.3096del, p.Asp1033fs (NM_001164507.2, NM_001271208.2, NM_004543.5); short protein forms D1033fs.
Identifiers: ClinVar variation 2734013 (VCV002734013.3), dbSNP rs2552263564, ClinGen allele CA2661471604.

ClinVar aggregate classification (germline): Pathogenic (1 of 4 stars; one submission).

Conditions:
Nemaline myopathy 2 (NEM2). Also called: Nemaline myopathy 2, autosomal recessive. Identifiers: MedGen C1850569, MONDO:0009725, OMIM 256030.

Allele frequency attached by ClinVar (database versions not stated): gnomAD exomes 0.00001.

Submission:

Labcorp Genetics (formerly Invitae), Labcorp
Classification: Pathogenic for Nemaline myopathy 2. Last evaluated: 2022-12-31. Review status: criteria provided, single submitter. Criteria: Invitae Variant Classification Sherloc (09022015). Collection method: clinical testing. Allele origin: germline.
Comment: This variant is not present in population databases (gnomAD no frequency). This sequence change creates a premature translational stop signal (p.Asp1033Thrfs*24) in the NEB gene. It is expected to result in an absent or disrupted protein product. Loss-of-function variants in NEB are known to be pathogenic (PMID: 25205138). For these reasons, this variant has been classified as Pathogenic. This variant has not been reported in the literature in individuals affected with NEB-related conditions.

Literature cited by the submitters: PubMed 25205138.